The following is an entry in ClinVar:

NC_000002.11:g.(?_228128486)_(228128670_?)del

Gene: COL4A3 (collagen type IV alpha 3 chain; plus strand). Cytogenetic location: 2q36.3.
Variant type: Deletion.
Identifiers: ClinVar variation 1460304 (VCV001460304.4).

ClinVar aggregate classification (germline): Pathogenic (1 of 4 stars; one submission).

Submission:

Labcorp Genetics (formerly Invitae), Labcorp
Classification: Pathogenic. Last evaluated: 2021-09-08. Review status: criteria provided, single submitter. Criteria: Invitae Variant Classification Sherloc (09022015). Collection method: clinical testing. Allele origin: germline.
Comment: For these reasons, this variant has been classified as Pathogenic. This variant disrupts a region of the COL4A3 protein in which other variant(s) (p.Gly395Glu) have been determined to be pathogenic (PMID: 24944784). This suggests that this is a clinically significant region of the protein, and that variants that disrupt it are likely to be disease-causing. This variant has not been reported in the literature in individuals affected with COL4A3-related conditions. This variant is a gross deletion of the genomic region encompassing exon(s) 21 of the COL4A3 gene. This variant would be expected to be in-frame, preserving the integrity of the reading frame.

Literature cited by the submitters: PubMed 24944784.